The following is an entry in ClinVar:

ClinVar aggregate classification (germline): Pathogenic (0 of 4 stars; one submission).

Conditions:
Autosomal recessive nonsyndromic hearing loss 9. Also called: NEUROSENSORY NONSYNDROMIC RECESSIVE DEAFNESS 9; OTOF-Related Hearing Loss; Deafness, autosomal recessive 9; AUDITORY NEUROPATHY, AUTOSOMAL RECESSIVE, 1, TEMPERATURE-SENSITIVE. Identifiers: Orphanet 90636, MedGen C1832828, MONDO:0010986, OMIM 601071.

Submission:

Diagnosis and Treatment Center of Genetic Hearing Loss, Eye & ENT Hospital of Fudan University
Classification: Pathogenic for Autosomal recessive nonsyndromic hearing loss 9. Last evaluated: 2026-02-04. Review status: no assertion criteria provided. Collection method: clinical testing. Allele origin: germline. Inheritance: Autosomal recessive inheritance. Affected: yes.
Comment: The c.2316-2A>G splice acceptor variant in OTOF is predicted to disrupt splicing (PVS1). It is absent from population databases (PM2_Supporting). It was found in trans with likely pathogenic c.5000C>A (PM3).

NM_194248.3(OTOF):c.2316-2A>G

Gene: OTOF (otoferlin; minus strand). Cytogenetic location: 2p23.3.
Variant type: single nucleotide variant.
Coding change: c.2316-2A>G on transcript NM_194248.3 (MANE Select); the canonical splice acceptor site of the intron before coding-DNA position 2316, A replaced by G.
Molecular consequence: splice acceptor variant.
Genome position (GRCh38, 1-based): chr2:26,477,508, T>C on the plus strand (A>G on the coding strand, the complement: OTOF is on the minus strand). VCF-style: chr2-26477508-T-C. GRCh37 (hg19) VCF-style: chr2-26700376-T-C.
Other names: c.2316-2A>G (NM_001287489.2); c.75-2A>G (NM_194323.3, NM_004802.4); c.246-2A>G (NM_194322.3).
Identifiers: ClinVar variation 4879908 (VCV004879908.1).
Genomic context (GRCh38, chr2:26,477,508, plus strand): 5'-GGTCAAGCCTGGTGCGGGATGAGTGGCCCTGGTCCTTGTCAGCGAGGGAGAGGAAGCGGC[T>C]GGGGGTAGGGCGAGCCGGGGTTTAGCGAGCCTGACCAGCAGGGGCTCTGTAGATTCTTCC-3'